The following is an entry in ClinVar:

ClinVar aggregate classification (germline): Uncertain significance (1 of 4 stars; one submission).

Conditions:
DROSHA-related disorder. Also called: DROSHA-related condition.

gnomAD v4.1: 1 of 1,613,172 alleles (0.000062%); highest among the groups gnomAD compares: Non-Finnish European, 0.000085%; no homozygotes.

Submission:

PreventionGenetics, part of Exact Sciences
Classification: Uncertain significance for DROSHA-related condition. Last evaluated: 2026-03-31. Review status: criteria provided, single submitter. Criteria: ACMG Guidelines, 2015. Collection method: clinical testing. Allele origin: germline.
Comment: The DROSHA c.2506C>T variant is predicted to result in premature protein termination (p.Arg836*). To our knowledge, this variant has not been reported in the literature or in a large population database (gnomAD), indicating this variant is rare. Although we suspect that this variant may be pathogenic, at this time, the clinical significance of this variant is uncertain due to the absence of conclusive functional and genetic evidence.

NM_001382508.1(DROSHA):c.2506C>T (p.Arg836Ter)

Gene: DROSHA (drosha ribonuclease III; minus strand). Cytogenetic location: 5p13.3.
Variant type: single nucleotide variant.
Coding change: c.2506C>T on transcript NM_001382508.1 (MANE Select); coding-DNA position 2506, C replaced by T.
Protein change: p.Arg836Ter; replaces arginine 836 with a stop codon.
Molecular consequence: nonsense.
Genome position (GRCh38, 1-based): chr5:31,464,304, G>A on the plus strand (C>T on the coding strand, the complement: DROSHA is on the minus strand). VCF-style: chr5-31464304-G-A. GRCh37 (hg19) VCF-style: chr5-31464411-G-A.
Other names: c.2395C>T, p.Arg799Ter (NM_001100412.2); c.2506C>T, p.Arg836Ter (NM_013235.5); short protein forms R799*, R836*.
Identifiers: ClinVar variation 4992115 (VCV004992115.1).
Genomic context (GRCh38, chr5:31,464,304, plus strand): 5'-CATCAGAACGGATGCCAGTTTTCCAGAATCCTTGGCTACTTAGCTCCACCGTTACTTCTC[G>A]TCTCATTGTATTCTTCTGCCGTATTTTTTGGAGGGCTTCCTAGAAAAGAATTCATTATGA-3'